The following is an entry in ClinVar:

ClinVar aggregate classification (germline): Likely benign (0 of 4 stars; one submission).

Conditions:
PPARG-related disorder. Also called: PPARG-related disorders; PPARG-related condition.

Allele frequency attached by ClinVar (database versions not stated): ExAC 0.00002; TOPMed 0.00002; gnomAD 0.00003; gnomAD exomes 0.00004; ESP Exome Variant Server 0.00008.
gnomAD v4.1: 72 of 1,613,860 alleles (0.0045%); highest among the groups gnomAD compares: Non-Finnish European, 0.0055%; no homozygotes.

Submission:

PreventionGenetics, part of Exact Sciences
Classification: Likely benign for PPARG-related condition. Last evaluated: 2021-07-13. Review status: no assertion criteria provided. Collection method: clinical testing. Allele origin: germline.
Comment: This variant is classified as likely benign based on ACMG/AMP sequence variant interpretation guidelines (Richards et al. 2015 PMID: 25741868, with internal and published modifications).

NM_138711.6(PPARG):c.132T>A (p.Ser44=)

Gene: PPARG (peroxisome proliferator activated receptor gamma; plus strand). Cytogenetic location: 3p25.2.
Variant type: single nucleotide variant.
Coding change: c.132T>A on transcript NM_138711.6 (MANE Select); coding-DNA position 132, T replaced by A.
Protein change: p.Ser44=; no amino-acid change (serine 44 retained).
Molecular consequence: synonymous variant. On other transcripts: 5 prime UTR variant (1).
Genome position (GRCh38, 1-based): chr3:12,379,843, T>A. VCF-style: chr3-12379843-T-A. GRCh37 (hg19) VCF-style: chr3-12421342-T-A.
Other names: c.132T>A, p.Ser44= (NM_001330615.4, NM_001354666.3, NM_001354667.3 and 6 more transcripts); c.222T>A, p.Ser74= (NM_001354668.2, NM_001374265.1, NM_015869.5); c.-296T>A (NM_001354669.2); c.138T>A, p.Ser46= (NM_001354670.2, NM_001374266.1).
Identifiers: ClinVar variation 3051279 (VCV003051279.2), dbSNP rs372004998, ClinGen allele CA2258102.